The following is an entry in ClinVar:

ClinVar aggregate classification (germline): Uncertain significance. Review status: criteria provided, multiple submitters, no conflicts (2 of 4 stars). 2 submissions from 2 submitters: Uncertain significance (2). Last evaluated 2026-07-06.

Conditions:
Drash syndrome (DDS). Also called: NEPHROPATHY, WILMS TUMOR, AND GENITAL ANOMALIES; WILMS TUMOR AND PSEUDO- OR TRUE HERMAPHRODITISM. Identifiers: Orphanet 220, MedGen C0950121, MONDO:0008682, OMIM 194080.
Frasier syndrome. Identifiers: Orphanet 347, MedGen C0950122, MeSH D052159, MONDO:0007635, OMIM 136680.
Wilms tumor 1 (WT1). Also called: Wilms tumor, somatic. Identifiers: Orphanet 654, MedGen CN033288, MONDO:0008679, OMIM 194070.
11p partial monosomy syndrome (WAGR). Also called: CHROMOSOME 11p13 DELETION SYNDROME; WAGR Spectrum Disorder; WAGR syndrome; WAGR Complex. Identifiers: Orphanet 893, MedGen C0206115, MONDO:0008681, OMIM 194072.
Inborn genetic diseases. Identifiers: MedGen C0950123, MeSH D030342.

Allele frequency attached by ClinVar (database versions not stated): gnomAD exomes below 0.00001.

Submissions (2):

Ambry Genetics
Classification: Uncertain significance for Inborn genetic diseases. Last evaluated: 2026-07-06. Review status: criteria provided, single submitter. Criteria: Ambry Variant Classification Scheme 2023. Collection method: clinical testing. Allele origin: germline.
Comment: The p.G121D variant (also known as c.362G>A), located in coding exon 1 of the WT1 gene, results from a G to A substitution at nucleotide position 362. The glycine at codon 121 is replaced by aspartic acid, an amino acid with similar properties. This amino acid position is conserved. In addition, this alteration is predicted to be tolerated by in silico analysis. Based on the available evidence, the clinical significance of this variant remains unclear.

Labcorp Genetics (formerly Invitae), Labcorp
Classification: Uncertain significance for Wilms tumor 1; Drash syndrome; 11p partial monosomy syndrome; Frasier syndrome. Last evaluated: 2022-08-27. Review status: criteria provided, single submitter. Criteria: Invitae Variant Classification Sherloc (09022015). Collection method: clinical testing. Allele origin: germline.
Comment: Algorithms developed to predict the effect of missense changes on protein structure and function are either unavailable or do not agree on the potential impact of this missense change (SIFT: "Deleterious"; PolyPhen-2: "Possibly Damaging"; Align-GVGD: "Class C0"). This variant has not been reported in the literature in individuals affected with WT1-related conditions. This variant is not present in population databases (gnomAD no frequency). This sequence change replaces glycine, which is neutral and non-polar, with aspartic acid, which is acidic and polar, at codon 121 of the WT1 protein (p.Gly121Asp). In summary, the available evidence is currently insufficient to determine the role of this variant in disease. Therefore, it has been classified as a Variant of Uncertain Significance.

NM_024426.6(WT1):c.377G>A (p.Gly126Asp)

Genes: WT1 (WT1 transcription factor; minus strand), LOC107982234 (WT1/WT1-AS bi-directional promoter region; plus strand). Cytogenetic location: 11p13.
Variant type: single nucleotide variant.
Coding change: c.377G>A on transcript NM_024426.6 (MANE Select); coding-DNA position 377, G replaced by A.
Protein change: p.Gly126Asp; replaces glycine 126 with aspartic acid.
Molecular consequence: missense variant. On other transcripts: non-coding transcript variant (1).
Genome position (GRCh38, 1-based): chr11:32,434,984, C>T on the plus strand (G>A on the coding strand, the complement: WT1 is on the minus strand). VCF-style: chr11-32434984-C-T. GRCh37 (hg19) VCF-style: chr11-32456530-C-T.
Other names: c.377G>A, p.Gly126Asp (NM_000378.6, NM_001407044.1, NM_001407045.1 and 6 more transcripts); c.362G>A, p.Gly121Asp (NM_024425.2); c.362G>A (NM_024426.4); short protein forms G121D, G126D.
Identifiers: ClinVar variation 1718054 (VCV001718054.7), dbSNP rs2133104145, ClinGen allele CA379965817.
Genomic context (GRCh38, chr11:32,434,984, plus strand): 5'-TTGATGAAGGAGTGAGGCGGCGGCGGCGGGGGTGGCGGCGGAGCCGGTGGCGGCGCGGGG[C>T]CGCCCAACGACCCGTAAGCCGAAGCGCCCGGGGGCGCAAAGTCCAGCACCGGCGCCCACT-3'
Protein context (NP_077744.4, residues 116-136): PGASAYGSLG[Gly126Asp]PAPPPAPPPP